The following is an entry in ClinVar:

NM_198428.3(BBS9):c.886+7A>G

Gene: BBS9 (Bardet-Biedl syndrome 9; plus strand). Cytogenetic location: 7p14.3.
Variant type: single nucleotide variant.
Coding change: c.886+7A>G on transcript NM_198428.3 (MANE Select); 7 bases into the intron after coding-DNA position 886, A replaced by G.
Molecular consequence: intron variant.
Genome position (GRCh38, 1-based): chr7:33,273,202, A>G. VCF-style: chr7-33273202-A-G. GRCh37 (hg19) VCF-style: chr7-33312814-A-G.
Other names: c.886+7A>G (NM_001348036.1, NM_001362679.1, NM_001348041.4 and 5 more transcripts); c.613+7A>G (NM_001348038.3, NM_001348039.3); c.520+7A>G (NM_001348037.3, NM_001348045.3, NM_001348046.3 and 1 more transcripts); c.751+7A>G (NM_001348042.3).
Identifiers: ClinVar variation 2502251 (VCV002502251.5), dbSNP rs781169371, ClinGen allele CA4214128.

ClinVar aggregate classification (germline): Conflicting classifications of pathogenicity. Review status: criteria provided, conflicting classifications (1 of 4 stars). 3 submissions from 3 submitters: Uncertain significance (1); Likely benign (1). 1 of the submissions does not count toward it. Last evaluated 2025-03-12.

Conditions:
Bardet-Biedl syndrome (BBS). Identifiers: Orphanet 110, MedGen C0752166, MONDO:0015229.
BBS9-related disorder. Also called: BBS9-related condition.
Bardet-Biedl syndrome 9 (BBS9). Identifiers: Orphanet 110, MedGen C1859567, MONDO:0014437, OMIM 615986.

Allele frequency attached by ClinVar (database versions not stated): gnomAD exomes 0.00001; ExAC 0.00002.
gnomAD v4.1: 12 of 1,613,608 alleles (0.00074%); highest among the groups gnomAD compares: African/African-American, 0.0013%; no homozygotes.

Submissions (3):

Labcorp Genetics (formerly Invitae), Labcorp
Classification: Likely benign for Bardet-Biedl syndrome. Last evaluated: 2025-03-12. Review status: criteria provided, single submitter. Criteria: Invitae Variant Classification Sherloc (09022015). Collection method: clinical testing. Allele origin: germline.

New York Genome Center
Classification: Uncertain significance for Bardet-Biedl syndrome 9. Last evaluated: 2022-01-28. Review status: criteria provided, single submitter. Criteria: NYGC Assertion Criteria 2020. Collection method: clinical testing. Allele origin: germline. Observed: 1 heterozygote.

PreventionGenetics, part of Exact Sciences
Classification: Likely benign for BBS9-related condition. Last evaluated: 2020-11-13. Review status: no assertion criteria provided. Collection method: clinical testing. Allele origin: germline. Not counted in ClinVar's aggregate classification.
Comment: This variant is classified as likely benign based on ACMG/AMP sequence variant interpretation guidelines (Richards et al. 2015 PMID: 25741868, with internal and published modifications).